The following is an entry in ClinVar:

NM_000171.4(GLRA1):c.2T>G (p.Met1Arg)

Gene: GLRA1 (glycine receptor alpha 1; minus strand). Cytogenetic location: 5q33.1.
Variant type: single nucleotide variant.
Coding change: c.2T>G on transcript NM_000171.4 (MANE Select); coding-DNA position 2, T replaced by G.
Protein change: p.Met1Arg; changes the start codon (methionine 1).
Molecular consequence: missense variant, initiator codon variant. On other transcripts: 5 prime UTR variant (1).
Genome position (GRCh38, 1-based): chr5:151,924,548, A>C on the plus strand (T>G on the coding strand, the complement: GLRA1 is on the minus strand). VCF-style: chr5-151924548-A-C. GRCh37 (hg19) VCF-style: chr5-151304109-A-C.
Other names: c.2T>G, p.Met1Arg (NM_001146040.2); c.-120T>G (NM_001292000.2); short protein forms M1R.
Identifiers: ClinVar variation 2701248 (VCV002701248.3), dbSNP rs745402231, ClinGen allele CA3523820.
Genomic context (GRCh38, chr5:151,924,548, plus strand): 5'-GCATACCTGAAGAATACAATGGTCTCCCAAAGGTAGAGTCGAAGAGTATTGAAGCTGTAC[A>C]TTTTTCAGGTCCTTGTGCTTTGTAGTCCACGAGTTATGGGGGCAAAAATGTTTCAAATTG-3'
Protein context (NP_000162.2, residues 1-11): [Met1Arg]YSFNTLRLYL

ClinVar aggregate classification (germline): Uncertain significance (1 of 4 stars; one submission).

Conditions:
Hereditary hyperekplexia. Identifiers: Orphanet 3197, MedGen C4084968, MONDO:0021022.

Allele frequency attached by ClinVar (database versions not stated): ExAC 0.00001.

Submission:

Labcorp Genetics (formerly Invitae), Labcorp
Classification: Uncertain significance for Hereditary hyperekplexia. Last evaluated: 2023-12-06. Review status: criteria provided, single submitter. Criteria: Invitae Variant Classification Sherloc (09022015). Collection method: clinical testing. Allele origin: germline.
Comment: This sequence change affects the initiator methionine of the GLRA1 mRNA. The next in-frame methionine is located at codon 36. This variant is present in population databases (rs745402231, gnomAD 0.006%). This variant has not been reported in the literature in individuals affected with GLRA1-related conditions. Experimental studies and prediction algorithms are not available or were not evaluated, and the functional significance of this variant is currently unknown. Algorithms developed to predict the effect of sequence changes on RNA splicing suggest that this variant may disrupt the consensus splice site. In summary, the available evidence is currently insufficient to determine the role of this variant in disease. Therefore, it has been classified as a Variant of Uncertain Significance.